The following is an entry in ClinVar:

NM_000814.6(GABRB3):c.282T>G (p.Asp94Glu)

Gene: GABRB3 (gamma-aminobutyric acid type A receptor subunit beta3; minus strand). Cytogenetic location: 15q12.
Variant type: single nucleotide variant.
Coding change: c.282T>G on transcript NM_000814.6 (MANE Select); coding-DNA position 282, T replaced by G.
Protein change: p.Asp94Glu; replaces aspartic acid 94 with glutamic acid.
Molecular consequence: missense variant. On other transcripts: non-coding transcript variant (1).
Genome position (GRCh38, 1-based): chr15:26,621,493, A>C on the plus strand (T>G on the coding strand, the complement: GABRB3 is on the minus strand). VCF-style: chr15-26621493-A-C. GRCh37 (hg19) VCF-style: chr15-26866640-A-C.
Other names: c.27T>G, p.Asp9Glu (NM_001191320.2, NM_001278631.2); c.69T>G, p.Asp23Glu (NM_001191321.3); c.282T>G, p.Asp94Glu (NM_021912.5); short protein forms D23E, D94E, D9E.
Identifiers: ClinVar variation 1320972 (VCV001320972.9), dbSNP rs2140537278, ClinGen allele CA391461463.

ClinVar aggregate classification (germline): Uncertain significance. Review status: criteria provided, multiple submitters, no conflicts (2 of 4 stars). 2 submissions from 2 submitters: Uncertain significance (2). Last evaluated 2022-10-17.

Conditions:
Epilepsy, childhood absence, susceptibility to, 1. Also called: Epilepsy, childhood absence 1. Identifiers: Orphanet 64280, MedGen C1838604, MONDO:0020759, OMIM 600131.
Epilepsy, childhood absence, susceptibility to, 5. Identifiers: Orphanet 64280, MedGen C2677087, MONDO:0012843, OMIM 612269.

gnomAD v4.1: 7 of 1,614,062 alleles (0.00043%); highest among the groups gnomAD compares: East Asian, 0.0022%; no homozygotes.

Submissions (2):

Labcorp Genetics (formerly Invitae), Labcorp
Classification: Uncertain significance for Epilepsy, childhood absence, susceptibility to, 5; Epilepsy, childhood absence, susceptibility to, 1. Last evaluated: 2022-10-17. Review status: criteria provided, single submitter. Criteria: Invitae Variant Classification Sherloc (09022015). Collection method: clinical testing. Allele origin: germline.
Comment: In summary, the available evidence is currently insufficient to determine the role of this variant in disease. Therefore, it has been classified as a Variant of Uncertain Significance. Advanced modeling of protein sequence and biophysical properties (such as structural, functional, and spatial information, amino acid conservation, physicochemical variation, residue mobility, and thermodynamic stability) performed at Invitae indicates that this missense variant is expected to disrupt GABRB3 protein function. ClinVar contains an entry for this variant (Variation ID: 1320972). This variant has not been reported in the literature in individuals affected with GABRB3-related conditions. This variant is not present in population databases (gnomAD no frequency). This sequence change replaces aspartic acid, which is acidic and polar, with glutamic acid, which is acidic and polar, at codon 94 of the GABRB3 protein (p.Asp94Glu).

GeneDx
Classification: Uncertain significance. Last evaluated: 2021-05-25. Review status: criteria provided, single submitter. Criteria: GeneDx Variant Classification Process June 2021. Collection method: clinical testing. Allele origin: germline. Affected: yes.
Comment: Not observed in large population cohorts (Database of Genomic Variants; MacDonald et al., 2014); In silico analysis supports that this missense variant has a deleterious effect on protein structure/function; Has not been previously published as pathogenic or benign to our knowledge